The following is an entry in ClinVar:

NM_201596.3(CACNB2):c.1399C>G (p.Pro467Ala)

Gene: CACNB2 (calcium voltage-gated channel auxiliary subunit beta 2; plus strand). Cytogenetic location: 10p12.31.
Variant type: single nucleotide variant.
Coding change: c.1399C>G on transcript NM_201596.3 (MANE Select); coding-DNA position 1399, C replaced by G.
Protein change: p.Pro467Ala; replaces proline 467 with alanine.
Molecular consequence: missense variant.
Genome position (GRCh38, 1-based): chr10:18,538,276, C>G. VCF-style: chr10-18538276-C-G. GRCh37 (hg19) VCF-style: chr10-18827205-C-G.
Other names: c.1234C>G, p.Pro412Ala (NM_000724.4); c.1201C>G, p.Pro401Ala (NM_001167945.2); c.1120C>G, p.Pro374Ala (NM_001330060.2); c.1141C>G, p.Pro381Ala (NM_001410882.1); c.1255C>G, p.Pro419Ala (NM_201570.3); c.1315C>G, p.Pro439Ala (NM_201571.4); c.1243C>G, p.Pro415Ala (NM_201572.4); c.1237C>G, p.Pro413Ala (NM_201590.3); and 2 more; short protein forms P374A, P419A, P381A, P401A, P412A, P413A, P429A, P439A.
Identifiers: ClinVar variation 1757167 (VCV001757167.2), dbSNP rs869025370, ClinGen allele CA376070387.
Genomic context (GRCh38, chr10:18,538,276, plus strand): 5'-GAGGATGCCTGTGAGCACCTTGCCGACTATCTGGAGGCCTACTGGAAGGCCACCCATCCT[C>G]CCAGCAGTAGCCTCCCCAACCCTCTCCTTAGCCGTACATTAGCCACTTCAAGTCTGCCTC-3'
Protein context (NP_963890.2, residues 457-477): LEAYWKATHP[Pro467Ala]SSSLPNPLLS

ClinVar aggregate classification (germline): Uncertain significance (1 of 4 stars; one submission).

Conditions:
Cardiovascular phenotype. Identifiers: MedGen CN230736.

Allele frequency attached by ClinVar (database versions not stated): TOPMed below 0.00001.
gnomAD v4.1: 1 of 1,614,038 alleles (0.000062%); highest among the groups gnomAD compares: African/African-American, 0.0013%; no homozygotes.

Submission:

Ambry Genetics
Classification: Uncertain significance for Cardiovascular phenotype. Last evaluated: 2020-09-08. Review status: criteria provided, single submitter. Criteria: Ambry Variant Classification Scheme 2023. Collection method: clinical testing. Allele origin: germline.
Comment: The p.P413A variant (also known as c.1237C>G), located in coding exon 12 of the CACNB2 gene, results from a C to G substitution at nucleotide position 1237. The proline at codon 413 is replaced by alanine, an amino acid with highly similar properties. This amino acid position is well conserved in available vertebrate species; however, alanine is the reference amino acid in other vertebrate species. In addition, this alteration is predicted to be tolerated by in silico analysis. Since supporting evidence is limited at this time, the clinical significance of this alteration remains unclear.